The following is an entry in ClinVar:

ClinVar aggregate classification (germline): Uncertain significance (1 of 4 stars; one submission).

Conditions:
Inborn genetic diseases. Identifiers: MedGen C0950123, MeSH D030342.

gnomAD v4.1: 1 of 1,613,782 alleles (0.000062%); highest among the groups gnomAD compares: East Asian, 0.0022%; no homozygotes.

Submission:

Ambry Genetics
Classification: Uncertain significance for Inborn genetic diseases. Last evaluated: 2025-09-25. Review status: criteria provided, single submitter. Criteria: Ambry Variant Classification Scheme 2023. Collection method: clinical testing. Allele origin: germline.
Comment: The p.G636R variant (also known as c.1906G>C), located in coding exon 1 of the SAMD9 gene, results from a G to C substitution at nucleotide position 1906. The glycine at codon 636 is replaced by arginine, an amino acid with dissimilar properties. This amino acid position is conserved. In addition, this alteration is predicted to be tolerated by in silico analysis. Based on the available evidence, the clinical significance of this variant remains unclear.

NM_017654.4(SAMD9):c.1906G>C (p.Gly636Arg)

Gene: SAMD9 (sterile alpha motif domain containing 9; minus strand). Cytogenetic location: 7q21.2.
Variant type: single nucleotide variant.
Coding change: c.1906G>C on transcript NM_017654.4 (MANE Select); coding-DNA position 1906, G replaced by C.
Protein change: p.Gly636Arg; replaces glycine 636 with arginine.
Molecular consequence: missense variant.
Genome position (GRCh38, 1-based): chr7:93,104,192, C>G on the plus strand (G>C on the coding strand, the complement: SAMD9 is on the minus strand). VCF-style: chr7-93104192-C-G. GRCh37 (hg19) VCF-style: chr7-92733505-C-G.
Other names: c.1906G>C, p.Gly636Arg (NM_001193307.2); short protein forms G636R.
Identifiers: ClinVar variation 4629820 (VCV004629820.1).
Genomic context (GRCh38, chr7:93,104,192, plus strand): 5'-AGATAATTTCCAGAGCAGTCATGATATCTTCTTCCTTTTTCAGAAGGACAGTCGATAAAC[C>G]AATAGATGGCAAAAGCCTTTTTGAAGATTGAGTCACAGATTTTAGTTTAAGAATAGTGCC-3'
Protein context (NP_060124.2, residues 626-646): QSSKRLLPSI[Gly636Arg]LSTVLLKKEE